The following is an entry in ClinVar:

ClinVar aggregate classification (germline): Pathogenic. Review status: criteria provided, multiple submitters, no conflicts (2 of 4 stars). 3 submissions from 3 submitters: Pathogenic (3). Last evaluated 2023-02-13.

Conditions:
CPLANE1-related disorder. Also called: CPLANE1-related condition.
Orofaciodigital syndrome type 6 (OFD6). Also called: VARADI SYNDROME; VARADI-PAPP SYNDROME; Oral-facial-digital syndrome type 6; Central polydactyly cleft lip/palate or lingual lump and psychomotor retardation; Y-shaped central metacarpal and cerebellar defect; Joubert syndrome with orofacialdigital anomalies. Identifiers: Orphanet 2754, MedGen C2745997, MONDO:0010176, OMIM 277170.
Joubert syndrome 17 (JBTS17). Identifiers: Orphanet 475, MedGen C3553264, MONDO:0013824, OMIM 614615.

Allele frequency attached by ClinVar (database versions not stated): TOPMed 0.00001.
gnomAD v4.1: 1 of 1,512,100 alleles (0.000066%); highest among the groups gnomAD compares: Non-Finnish European, 0.000088%; no homozygotes.

Submissions (3):

PreventionGenetics, part of Exact Sciences
Classification: Pathogenic for CPLANE1-related condition. Last evaluated: 2023-02-13. Review status: criteria provided, single submitter. Criteria: ACMG Guidelines, 2015. Collection method: clinical testing. Allele origin: germline.
Comment: The CPLANE1 c.2709G>A variant is predicted to result in premature protein termination (p.Trp903*). This variant was reported along with a second nonsense CPLANE1 variant in an individual with Joubert syndrome (Patient UW195-3 in Table S5, Bachmann-Gagescu et al. 2015. PubMed ID: 26092869). This variant has not been reported in a large population database, indicating this variant is rare. Nonsense variants in CPLANE1 are expected to be pathogenic. This variant is interpreted as pathogenic.

Fulgent Genetics
Classification: Pathogenic for Orofaciodigital syndrome type 6; Joubert syndrome 17. Last evaluated: 2022-05-23. Review status: criteria provided, single submitter. Criteria: ACMG Guidelines, 2015. Collection method: clinical testing. Allele origin: unknown.

UW Hindbrain Malformation Research Program, University of Washington
Classification: Pathogenic for Joubert syndrome 17. Last evaluated: 2015-02-23. Review status: criteria provided, single submitter. Criteria: Bachmann-Gagescu et al. (J Med Genet. 2015). Collection method: research. Allele origin: unknown. Affected: yes.

NM_001384732.1(CPLANE1):c.2709G>A (p.Trp903Ter)

Gene: CPLANE1 (ciliogenesis and planar polarity effector complex subunit 1; minus strand). Cytogenetic location: 5p13.2.
Variant type: single nucleotide variant.
Coding change: c.2709G>A on transcript NM_001384732.1 (MANE Select); coding-DNA position 2709, G replaced by A.
Protein change: p.Trp903Ter; replaces tryptophan 903 with a stop codon.
Molecular consequence: nonsense.
Genome position (GRCh38, 1-based): chr5:37,221,361, C>T on the plus strand (G>A on the coding strand, the complement: CPLANE1 is on the minus strand). VCF-style: chr5-37221361-C-T. GRCh37 (hg19) VCF-style: chr5-37221463-C-T.
Other names: c.2709G>A, p.Trp903Ter (NM_023073.4); short protein forms W903*.
Identifiers: ClinVar variation 217585 (VCV000217585.3), dbSNP rs863225164, ClinGen allele CA279530.